The following is an entry in ClinVar:

ClinVar aggregate classification (germline): Pathogenic (1 of 4 stars; one submission).

Conditions:
LAMA2-related muscular dystrophy (LAMA2-RD). Also called: Laminin alpha 2-related dystrophy. Identifiers: MedGen C5679788, MONDO:0100228.

Submission:

Labcorp Genetics (formerly Invitae), Labcorp
Classification: Pathogenic for LAMA2-related muscular dystrophy. Last evaluated: 2025-02-16. Review status: criteria provided, single submitter. Criteria: Invitae Variant Classification Sherloc (09022015). Collection method: clinical testing. Allele origin: germline.
Comment: This sequence change creates a premature translational stop signal (p.Tyr1501*) in the LAMA2 gene. It is expected to result in an absent or disrupted protein product. Loss-of-function variants in LAMA2 are known to be pathogenic (PMID: 18700894, 32904964). This variant is not present in population databases (gnomAD no frequency). This variant has not been reported in the literature in individuals affected with LAMA2-related conditions. For these reasons, this variant has been classified as Pathogenic.

Literature cited by the submitters: PubMed 18700894; PubMed 32904964.

NM_000426.4(LAMA2):c.4502dup (p.Tyr1501Ter)

Gene: LAMA2 (laminin subunit alpha 2; plus strand). Cytogenetic location: 6q22.33.
Variant type: Duplication.
Coding change: c.4502dup on transcript NM_000426.4 (MANE Select); coding-DNA position 4502, one base duplicated (A; older notation c.4502dupA).
Protein change: p.Tyr1501Ter; replaces tyrosine 1501 with a stop codon.
Molecular consequence: nonsense.
Genome position (GRCh38, 1-based): chr6:129,349,363, A duplicated. VCF-style (leftmost placement, unchanged base first): chr6-129349362-T-TA. GRCh37 (hg19) VCF-style: chr6-129670507-T-TA.
Other names: c.4502dup, p.Tyr1501Ter (NM_001079823.2); short protein forms Y1501*.
Identifiers: ClinVar variation 3726315 (VCV003726315.2).